The following is an entry in ClinVar:

NM_001199107.2(TBC1D24):c.1305G>C (p.Leu435=)

Gene: TBC1D24 (TBC1 domain family member 24; plus strand). Cytogenetic location: 16p13.3.
Variant type: single nucleotide variant.
Coding change: c.1305G>C on transcript NM_001199107.2 (MANE Select); coding-DNA position 1305, G replaced by C.
Protein change: p.Leu435=; no amino-acid change (leucine 435 retained).
Molecular consequence: synonymous variant.
Genome position (GRCh38, 1-based): chr16:2,500,270, G>C. VCF-style: chr16-2500270-G-C. GRCh37 (hg19) VCF-style: chr16-2550271-G-C.
Other names: c.1287G>C, p.Leu429= (NM_020705.3).
Identifiers: ClinVar variation 382881 (VCV000382881.3), dbSNP rs774088745, ClinGen allele CA7844267.

ClinVar aggregate classification (germline): Likely benign. Review status: criteria provided, multiple submitters, no conflicts (2 of 4 stars). 2 submissions from 2 submitters: Likely benign (2). Last evaluated 2025-02-06.

Conditions:
Developmental and epileptic encephalopathy, 1 (DEE1). Also called: X-linked infantile spasms; West's syndrome; Tonic spasms with clustering, arrest of psychomotor development and hypsarrhythmia on EEG; X-Linked Infantile Spasm Syndrome; OHTAHARA SYNDROME, X-LINKED; INFANTILE SPASM SYNDROME, X-LINKED 1. Identifiers: MedGen C3463992, MONDO:0010632, OMIM 308350. Disease mechanism: loss of function.
Autosomal dominant nonsyndromic hearing loss 65. Also called: TBC1D24-Related Autosomal Dominant Nonsyndromic Hearing Loss (DFNA); Deafness, autosomal dominant 65. Identifiers: Orphanet 90635, MedGen C3892048, MONDO:0014470, OMIM 616044.

Allele frequency attached by ClinVar (database versions not stated): gnomAD below 0.00001 and 0.00003; TOPMed below 0.00001; gnomAD exomes 0.00006; ExAC 0.00013.
gnomAD v4.1: 40 of 1,601,436 alleles (0.0025%); highest among the groups gnomAD compares: South Asian, 0.043%; no homozygotes.

Submissions (2):

Labcorp Genetics (formerly Invitae), Labcorp
Classification: Likely benign for Developmental and epileptic encephalopathy, 1; Autosomal dominant nonsyndromic hearing loss 65. Last evaluated: 2025-02-06. Review status: criteria provided, single submitter. Criteria: Invitae Variant Classification Sherloc (09022015). Collection method: clinical testing. Allele origin: germline.

GeneDx
Classification: Likely benign. Last evaluated: 2016-01-20. Review status: criteria provided, single submitter. Criteria: GeneDx Variant Classification (06012015). Collection method: clinical testing. Allele origin: germline. Affected: yes.
Comment: This variant is considered likely benign or benign based on one or more of the following criteria: it is a conservative change, it occurs at a poorly conserved position in the protein, it is predicted to be benign by multiple in silico algorithms, and/or has population frequency not consistent with disease.